The following is an entry in ClinVar:

ClinVar aggregate classification (germline): Uncertain significance. Review status: criteria provided, multiple submitters, no conflicts (2 of 4 stars). 2 submissions from 2 submitters: Uncertain significance (2). Last evaluated 2025-07-22.

Allele frequency attached by ClinVar (database versions not stated): gnomAD 0.00003; TOPMed 0.00007.
gnomAD v4.1: 21 of 1,613,960 alleles (0.0013%); highest among the groups gnomAD compares: East Asian, 0.0089%; no homozygotes.

Submissions (2):

Women's Health and Genetics/Laboratory Corporation of America, LabCorp
Classification: Uncertain significance. Last evaluated: 2025-07-22. Review status: criteria provided, single submitter. Criteria: LabCorp Variant Classification Summary - May 2015. Collection method: clinical testing. Allele origin: germline.
Comment: Variant summary: SZT2 c.8456G>A (p.Arg2819Gln) results in a conservative amino acid change in the encoded protein sequence. Algorithms developed to predict the effect of missense changes on protein structure and function all suggest that this variant is likely to be tolerated. Several computational tools predict a significant impact on normal splicing: Two predict the variant weakens a 3' acceptor site. Two predict the variant no significant impact on splicing. Two predict the variant creates a 3' acceptor site. However, these predictions have yet to be confirmed by functional studies. The variant allele was found at a frequency of 3.6e-05 in 251140 control chromosomes. The available data on variant occurrences in the general population are insufficient to allow any conclusion about variant significance. To our knowledge, no occurrence of c.8456G>A in individuals affected with Early Infantile Epileptic Encephalopathy 18 and no experimental evidence demonstrating its impact on protein function have been reported. ClinVar contains an entry for this variant (Variation ID: 846291). Based on the evidence outlined above, the variant was classified as uncertain significance.

Labcorp Genetics (formerly Invitae), Labcorp
Classification: Uncertain significance. Last evaluated: 2022-07-11. Review status: criteria provided, single submitter. Criteria: Invitae Variant Classification Sherloc (09022015). Collection method: clinical testing. Allele origin: germline.
Comment: This sequence change replaces arginine, which is basic and polar, with glutamine, which is neutral and polar, at codon 2819 of the SZT2 protein (p.Arg2819Gln). This variant is present in population databases (rs768708927, gnomAD 0.02%). This variant has not been reported in the literature in individuals affected with SZT2-related conditions. ClinVar contains an entry for this variant (Variation ID: 846291). Algorithms developed to predict the effect of missense changes on protein structure and function are either unavailable or do not agree on the potential impact of this missense change (SIFT: "Tolerated"; PolyPhen-2: "Possibly Damaging"; Align-GVGD: "Class C0"). Algorithms developed to predict the effect of sequence changes on RNA splicing suggest that this variant may create or strengthen a splice site. In summary, the available evidence is currently insufficient to determine the role of this variant in disease. Therefore, it has been classified as a Variant of Uncertain Significance.

NM_001365999.1(SZT2):c.8627G>A (p.Arg2876Gln)

Gene: SZT2 (SZT2 subunit of KICSTOR complex; plus strand). Cytogenetic location: 1p34.2.
Variant type: single nucleotide variant.
Coding change: c.8627G>A on transcript NM_001365999.1 (MANE Select); coding-DNA position 8627, G replaced by A.
Protein change: p.Arg2876Gln; replaces arginine 2876 with glutamine.
Molecular consequence: missense variant.
Genome position (GRCh38, 1-based): chr1:43,443,598, G>A. VCF-style: chr1-43443598-G-A. GRCh37 (hg19) VCF-style: chr1-43909269-G-A.
Other names: c.8456G>A, p.Arg2819Gln (NM_015284.4); short protein forms R2876Q, R2819Q.
Identifiers: ClinVar variation 846291 (VCV000846291.8), dbSNP rs768708927, ClinGen allele CA810638.